The following is an entry in ClinVar:

ClinVar aggregate classification (germline): Conflicting classifications of pathogenicity. Review status: criteria provided, conflicting classifications (1 of 4 stars). 4 submissions from 4 submitters: Uncertain significance (3); Likely benign (1). Last evaluated 2026-02-02.

Conditions:
Cardiac arrhythmia. Also called: Arrhythmia; Cardiac rhythm disease. Identifiers: MedGen C0003811, MONDO:0007263, HP:0011675.

Allele frequency attached by ClinVar (database versions not stated): 1000 Genomes Project 30x 0.00062; gnomAD 0.00070 and 0.00067; ESP Exome Variant Server 0.00100; TOPMed 0.00057; 1000 Genomes Project 0.00060.
gnomAD v4.1: 1,646 of 1,614,228 alleles (0.1%); highest among the groups gnomAD compares: Non-Finnish European, 0.13%; no homozygotes.

Submissions (4):

GeneDx
Classification: Uncertain significance. Last evaluated: 2026-02-02. Review status: criteria provided, single submitter. Criteria: GeneDx Variant Classification Process June 2021. Collection method: clinical testing. Allele origin: germline. Affected: yes.
Comment: Identified in association with hypertrophic cardiomyopathy (HCM) in published literature (PMID: 36582594); In silico analysis supports that this missense variant has a deleterious effect on protein structure/function; Variants in candidate genes are classified as variants of uncertain significance in accordance with ACMG guidelines (PMID: 25741868); This variant is associated with the following publications: (PMID: 36582594)

Labcorp Genetics (formerly Invitae), Labcorp
Classification: Uncertain significance for Cardiac arrhythmia. Last evaluated: 2026-01-21. Review status: criteria provided, single submitter. Criteria: Invitae Variant Classification Sherloc (09022015). Collection method: clinical testing. Allele origin: germline.
Comment: This sequence change replaces leucine, which is neutral and non-polar, with phenylalanine, which is neutral and non-polar, at codon 18 of the RANGRF protein (p.Leu18Phe). This variant is present in population databases (rs150856064, gnomAD 0.09%), and has an allele count higher than expected for a pathogenic variant. This variant has not been reported in the literature in individuals affected with RANGRF-related conditions. ClinVar contains an entry for this variant (Variation ID: 190841). An algorithm developed to predict the effect of missense changes on protein structure and function outputs the following: PolyPhen-2: "Benign". The phenylalanine amino acid residue is found in multiple mammalian species, which suggests that this missense change does not adversely affect protein function. In summary, the available evidence is currently insufficient to determine the role of this variant in disease. Therefore, it has been classified as a Variant of Uncertain Significance.

Women's Health and Genetics/Laboratory Corporation of America, LabCorp
Classification: Likely benign. Last evaluated: 2025-01-17. Review status: criteria provided, single submitter. Criteria: LabCorp Variant Classification Summary - May 2015. Collection method: clinical testing. Allele origin: germline.

Revvity Omics, Revvity
Classification: Uncertain significance. Last evaluated: 2020-04-30. Review status: criteria provided, single submitter. Criteria: ACMG Guidelines, 2015. Collection method: clinical testing. Allele origin: germline.

NM_016492.5(RANGRF):c.52C>T (p.Leu18Phe)

Genes: RANGRF (RAN guanine nucleotide release factor; plus strand), SLC25A35 (solute carrier family 25 member 35; minus strand). Cytogenetic location: 17p13.1.
Variant type: single nucleotide variant.
Coding change: c.52C>T on transcript NM_016492.5 (MANE Select); coding-DNA position 52, C replaced by T.
Protein change: p.Leu18Phe; replaces leucine 18 with phenylalanine.
Molecular consequence: missense variant. On other transcripts: 3 prime UTR variant (1), non-coding transcript variant (1), intron variant (1).
Genome position (GRCh38, 1-based): chr17:8,288,840, C>T. VCF-style: chr17-8288840-C-T. GRCh37 (hg19) VCF-style: chr17-8192158-C-T.
Other names: p.L18F:CTC>TTC; c.52C>T, p.Leu18Phe (NM_001177801.2, NM_001177802.2, NM_001330127.2); c.*776G>A (NM_201520.3); c.*43-408G>A (NM_001320871.2); short protein forms L18F.
Identifiers: ClinVar variation 190841 (VCV000190841.19), dbSNP rs150856064, ClinGen allele CA302117.